The following is an entry in ClinVar:

NM_000078.3(CETP):c.1215-14C>T

Gene: CETP (cholesteryl ester transfer protein; plus strand). Cytogenetic location: 16q13.
Variant type: single nucleotide variant.
Coding change: c.1215-14C>T on transcript NM_000078.3 (MANE Select); 14 bases into the intron before coding-DNA position 1215, C replaced by T.
Molecular consequence: intron variant.
Genome position (GRCh38, 1-based): chr16:56,981,633, C>T. VCF-style: chr16-56981633-C-T. GRCh37 (hg19) VCF-style: chr16-57015545-C-T.
Other names: c.1035-14C>T (NM_001286085.2).
Identifiers: ClinVar variation 319995 (VCV000319995.17), dbSNP rs1800774, ClinGen allele CA8071295.

ClinVar aggregate classification (germline): Benign. Review status: criteria provided, multiple submitters, no conflicts (2 of 4 stars). 4 submissions from 4 submitters: Benign (4). Last evaluated 2026-02-04.

Conditions:
Hyperalphalipoproteinemia 1 (HALP1). Also called: CETP-Related Hyperalphalipoproteinemia; CETP DEFICIENCY. Identifiers: MedGen C3149462, OMIM 143470.

Allele frequency attached by ClinVar (database versions not stated): 1000 Genomes Project 30x 0.26640; 1000 Genomes Project 0.26697; TOPMed 0.31419; gnomAD 0.31796 and 0.32028; gnomAD exomes 0.31962 and 0.34212; ExAC 0.32322; ESP Exome Variant Server 0.32649.
gnomAD v4.1: 546,329 of 1,610,056 alleles (34%); highest among the groups gnomAD compares: Non-Finnish European, 36%; 95,517 homozygotes.

Submissions (4):

Labcorp Genetics (formerly Invitae), Labcorp
Classification: Benign. Last evaluated: 2026-02-04. Review status: criteria provided, single submitter. Criteria: Invitae Variant Classification Sherloc (09022015). Collection method: clinical testing. Allele origin: germline.

GeneDx
Classification: Benign. Last evaluated: 2018-08-30. Review status: criteria provided, single submitter. Criteria: GeneDx Variant Classification Process June 2021. Collection method: clinical testing. Allele origin: germline. Affected: yes.

Illumina Laboratory Services, Illumina
Classification: Benign for Hyperalphalipoproteinemia 1. Last evaluated: 2018-01-13. Review status: criteria provided, single submitter. Criteria: ICSL Variant Classification Criteria 13 December 2019. Collection method: clinical testing. Allele origin: germline.
Comment: This variant was observed in the ICSL laboratory as part of a predisposition screen in an ostensibly healthy population. It had not been previously curated by ICSL or reported in the Human Gene Mutation Database (HGMD: prior to June 1st, 2018), and was therefore a candidate for classification through an automated scoring system. Utilizing variant allele frequency, disease prevalence and penetrance estimates, and inheritance mode, an automated score was calculated to assess if this variant is too frequent to cause the disease. Based on the score and internal cut-off values, a variant classified as benign is not then subjected to further curation. The score for this variant resulted in a classification of benign for this disease.

Breakthrough Genomics
Classification: Benign. Review status: criteria provided, single submitter. Criteria: ACMG Guidelines, 2015. Collection method: not provided. Allele origin: germline. Inheritance: Autosomal dominant inheritance. Affected: yes.